The following is an entry in ClinVar:

ClinVar aggregate classification (germline): Uncertain significance. Review status: criteria provided, multiple submitters, no conflicts (2 of 4 stars). 3 submissions from 3 submitters: Uncertain significance (3). Last evaluated 2025-03-25.

Conditions:
Inborn genetic diseases. Identifiers: MedGen C0950123, MeSH D030342.
Developmental and epileptic encephalopathy, 12 (DEE12). Identifiers: MedGen C3150988, MONDO:0013389, OMIM 613722.

Allele frequency attached by ClinVar (database versions not stated): gnomAD 0.00001; gnomAD exomes 0.00001; TOPMed 0.00002.
gnomAD v4.1: 20 of 1,593,442 alleles (0.0013%); highest among the groups gnomAD compares: Middle Eastern, 0.017%; no homozygotes.

Submissions (3):

GeneDx
Classification: Uncertain significance. Last evaluated: 2025-03-25. Review status: criteria provided, single submitter. Criteria: GeneDx Variant Classification Process June 2021. Collection method: clinical testing. Allele origin: germline. Affected: yes.
Comment: Not observed at significant frequency in large population cohorts (gnomAD); In silico analysis indicates that this missense variant does not alter protein structure/function; Has not been previously published as pathogenic or benign to our knowledge

Ambry Genetics
Classification: Uncertain significance for Inborn genetic diseases. Last evaluated: 2024-04-20. Review status: criteria provided, single submitter. Criteria: Ambry Variant Classification Scheme 2023. Collection method: clinical testing. Allele origin: germline.

Labcorp Genetics (formerly Invitae), Labcorp
Classification: Uncertain significance for Developmental and epileptic encephalopathy, 12. Last evaluated: 2022-07-19. Review status: criteria provided, single submitter. Criteria: Invitae Variant Classification Sherloc (09022015). Collection method: clinical testing. Allele origin: germline.
Comment: This sequence change replaces isoleucine, which is neutral and non-polar, with methionine, which is neutral and non-polar, at codon 1035 of the PLCB1 protein (p.Ile1035Met). This variant is present in population databases (no rsID available, gnomAD 0.002%). This variant has not been reported in the literature in individuals affected with PLCB1-related conditions. ClinVar contains an entry for this variant (Variation ID: 958060). Algorithms developed to predict the effect of missense changes on protein structure and function are either unavailable or do not agree on the potential impact of this missense change (SIFT: "Tolerated"; PolyPhen-2: "Possibly Damaging"; Align-GVGD: "Class C0"). In summary, the available evidence is currently insufficient to determine the role of this variant in disease. Therefore, it has been classified as a Variant of Uncertain Significance.

NM_015192.4(PLCB1):c.3105T>G (p.Ile1035Met)

Gene: PLCB1 (phospholipase C beta 1; plus strand). Cytogenetic location: 20p12.3.
Variant type: single nucleotide variant.
Coding change: c.3105T>G on transcript NM_015192.4 (MANE Select); coding-DNA position 3105, T replaced by G.
Protein change: p.Ile1035Met; replaces isoleucine 1035 with methionine.
Molecular consequence: missense variant.
Genome position (GRCh38, 1-based): chr20:8,774,713, T>G. VCF-style: chr20-8774713-T-G. GRCh37 (hg19) VCF-style: chr20-8755360-T-G.
Other names: c.3105T>G, p.Ile1035Met (NM_182734.3); c.3105T>G (NM_015192.2); short protein forms I1035M.
Identifiers: ClinVar variation 958060 (VCV000958060.9), dbSNP rs1458003629, ClinGen allele CA408209400.